The following is an entry in ClinVar:

ClinVar aggregate classification (germline): Pathogenic (1 of 4 stars; one submission).

Conditions:
Legius syndrome. Identifiers: Orphanet 137605, MedGen C1969623, MONDO:0012669, OMIM 611431. Disease mechanism: loss of function.

Submission:

Labcorp Genetics (formerly Invitae), Labcorp
Classification: Pathogenic for Legius syndrome. Last evaluated: 2023-11-10. Review status: criteria provided, single submitter. Criteria: Invitae Variant Classification Sherloc (09022015). Collection method: clinical testing. Allele origin: unknown.
Comment: This variant is a gross deletion of the genomic region encompassing exon(s) 1-2 of the SPRED1 gene, which includes the initiator codon. This deletion extends beyond the assayed region for this gene and therefore may encompass additional genes. It is expected to result in an absent or disrupted protein product. Loss-of-function variants in SPRED1 are known to be pathogenic (PMID: 17704776). This variant has not been reported in the literature in individuals affected with SPRED1-related conditions. For these reasons, this variant has been classified as Pathogenic.

Literature cited by the submitters: PubMed 17704776.

NC_000015.9:g.(?_38545387)_(38591768_?)del

Gene: SPRED1 (sprouty related EVH1 domain containing 1; plus strand). Cytogenetic location: 15q14.
Variant type: Deletion.
Identifiers: ClinVar variation 3243807 (VCV003243807.1).